The following is an entry in ClinVar:

ClinVar aggregate classification (germline): Uncertain significance (1 of 4 stars; one submission).

Submission:

Labcorp Genetics (formerly Invitae), Labcorp
Classification: Uncertain significance. Last evaluated: 2024-11-27. Review status: criteria provided, single submitter. Criteria: Invitae Variant Classification Sherloc (09022015). Collection method: clinical testing. Allele origin: germline.
Comment: This sequence change replaces aspartic acid, which is acidic and polar, with histidine, which is basic and polar, at codon 57 of the PRPF3 protein (p.Asp57His). This variant is not present in population databases (gnomAD no frequency). This variant has not been reported in the literature in individuals affected with PRPF3-related conditions. Invitae Evidence Modeling of protein sequence and biophysical properties (such as structural, functional, and spatial information, amino acid conservation, physicochemical variation, residue mobility, and thermodynamic stability) has been performed for this missense variant. However, the output from this modeling did not meet the statistical confidence thresholds required to predict the impact of this variant on PRPF3 protein function. In summary, the available evidence is currently insufficient to determine the role of this variant in disease. Therefore, it has been classified as a Variant of Uncertain Significance.

NM_004698.4(PRPF3):c.169G>C (p.Asp57His)

Gene: PRPF3 (pre-mRNA processing factor 3; plus strand). Cytogenetic location: 1q21.2.
Variant type: single nucleotide variant.
Coding change: c.169G>C on transcript NM_004698.4 (MANE Select); coding-DNA position 169, G replaced by C.
Protein change: p.Asp57His; replaces aspartic acid 57 with histidine.
Molecular consequence: missense variant. On other transcripts: 5 prime UTR variant (1), non-coding transcript variant (4).
Genome position (GRCh38, 1-based): chr1:150,325,774, G>C. VCF-style: chr1-150325774-G-C. GRCh37 (hg19) VCF-style: chr1-150298232-G-C.
Other names: c.-333G>C (NM_001350529.1); short protein forms D57H.
Identifiers: ClinVar variation 3721053 (VCV003721053.2).